The following is an entry in ClinVar:

ClinVar aggregate classification (germline): Conflicting classifications of pathogenicity. Review status: criteria provided, conflicting classifications (1 of 4 stars). 11 submissions from 11 submitters: Uncertain significance (3); Benign (3); Likely benign (4). 1 of the submissions does not count toward it. Last evaluated 2025-09-02.

Conditions:
Episodic ataxia type 5. Identifiers: Orphanet 211067, MedGen C1866039, MONDO:0013464, OMIM 613855.
CACNB4-related disorder. Also called: CACNB4-Related Disorders; CACNB4-related condition.
Epilepsy, idiopathic generalized, susceptibility to, 9. Identifiers: Orphanet 307, MedGen C2750887, MONDO:0011892, OMIM 607682.
Idiopathic generalized epilepsy. Also called: EIG; Generalised epilepsy. Identifiers: MedGen C0270850, MONDO:0005579, OMIM 600669.

Allele frequency attached by ClinVar (database versions not stated): 1000 Genomes Project 30x 0.00031; 1000 Genomes Project 0.00040; gnomAD exomes 0.00149; gnomAD 0.00190 and 0.00201; TOPMed 0.00206; ESP Exome Variant Server 0.00249; ExAC 0.00301.
gnomAD v4.1: 4,750 of 1,529,042 alleles (0.31%); highest among the groups gnomAD compares: Non-Finnish European, 0.39%; 9 homozygotes.

Submissions (11):

Labcorp Genetics (formerly Invitae), Labcorp
Classification: Likely benign for Idiopathic generalized epilepsy. Last evaluated: 2025-09-02. Review status: criteria provided, single submitter. Criteria: Invitae Variant Classification Sherloc (09022015). Collection method: clinical testing. Allele origin: germline.

CeGaT Center for Human Genetics Tuebingen
Classification: Benign. Last evaluated: 2025-05-01. Review status: criteria provided, single submitter. Criteria: CeGaT Center For Human Genetics Tuebingen Variant Classification Criteria Version 2. Collection method: clinical testing. Allele origin: germline. Affected: yes. Observed: 3 variant alleles.
Comment: CACNB4: BP4, BS1, BS2

Blueprint Genetics
Classification: Likely benign. Last evaluated: 2024-11-25. Review status: criteria provided, single submitter. Criteria: ACMG Guidelines, 2015. Collection method: clinical testing. Allele origin: germline.

Athena Diagnostics
Classification: Benign. Last evaluated: 2024-08-21. Review status: criteria provided, single submitter. Criteria: Athena Diagnostics Criteria. Collection method: clinical testing. Allele origin: unknown.

Genetic Services Laboratory, University of Chicago
Classification: Likely benign. Last evaluated: 2019-04-22. Review status: criteria provided, single submitter. Criteria: ACMG Guidelines, 2015. Collection method: clinical testing. Allele origin: germline. Affected: no.

Mayo Clinic Laboratories, Mayo Clinic
Classification: Uncertain significance for Epilepsy, idiopathic generalized, susceptibility to, 9; Episodic ataxia type 5. Last evaluated: 2018-06-18. Review status: criteria provided, single submitter. Criteria: ACMG Guidelines, 2015. Collection method: clinical testing. Allele origin: paternal.

Illumina Laboratory Services, Illumina
Classification: Benign for Episodic ataxia type 5. Last evaluated: 2018-01-13. Review status: criteria provided, single submitter. Criteria: ICSL Variant Classification Criteria 13 December 2019. Collection method: clinical testing. Allele origin: germline.
Comment: This variant was observed in the ICSL laboratory as part of a predisposition screen in an ostensibly healthy population. It had not been previously curated by ICSL or reported in the Human Gene Mutation Database (HGMD: prior to June 1st, 2018), and was therefore a candidate for classification through an automated scoring system. Utilizing variant allele frequency, disease prevalence and penetrance estimates, and inheritance mode, an automated score was calculated to assess if this variant is too frequent to cause the disease. Based on the score and internal cut-off values, a variant classified as benign is not then subjected to further curation. The score for this variant resulted in a classification of benign for this disease.

Fulgent Genetics
Classification: Uncertain significance for Epilepsy, idiopathic generalized, susceptibility to, 9; Episodic ataxia type 5. Last evaluated: 2017-05-23. Review status: criteria provided, single submitter. Criteria: ACMG Guidelines, 2015. Collection method: clinical testing. Allele origin: unknown.

Eurofins Ntd Llc (ga)
Classification: Likely benign. Last evaluated: 2016-02-08. Review status: criteria provided, single submitter. Criteria: EGL Classification Definitions 2015. Collection method: clinical testing. Allele origin: germline. Observed: 3 variant alleles, 3 heterozygotes.

GeneDx
Classification: Uncertain significance. Last evaluated: 2015-12-09. Review status: criteria provided, single submitter. Criteria: GeneDx Variant Classification (06012015). Collection method: clinical testing. Allele origin: germline. Affected: yes.
Comment: p.Pro15Arg (CCG>CGG): c.44 C>G in exon 1 of the CACNB4 gene (NM_000726.2). The P15R variant has not been published as a mutation, nor has it been reported as a benign polymorphism to our knowledge. The NHLBI Exome Sequencing Project reports P15R was observed in 26/8128 (0.3%) alleles from individuals of European background, and the 1000 Genomes Project reports P15R was observed in 1/120 (0.8%) alleles from individuals of Mexican background, indicating it may be a rare (benign) variant in these populations. The P15R variant is a non-conservative amino acid substitution, which is likely to impact secondary protein structure as these residues differ in polarity, charge, size and/or other properties. However, this substitution alters a poorly conserved position in the predicted N-terminal region of the CACNB4 protein, and disease-associated mutations have not been reported in this region to date (Escayg et al., 2000; Ohmori et al., 2008). Additionally, in silico analysis is inconsistent in its predictions as to whether or not the variant is damaging to the protein structure/function. Therefore, based on the currently available information, it is unclear whether this variant is a pathogenic mutation or a rare benign variant. The variant is found in CHILD-EPI panel(s).

PreventionGenetics, part of Exact Sciences
Classification: Likely benign for CACNB4-related condition. Last evaluated: 2020-04-06. Review status: no assertion criteria provided. Collection method: clinical testing. Allele origin: germline. Not counted in ClinVar's aggregate classification.
Comment: This variant is classified as likely benign based on ACMG/AMP sequence variant interpretation guidelines (Richards et al. 2015 PMID: 25741868, with internal and published modifications).

NM_000726.5(CACNB4):c.44C>G (p.Pro15Arg)

Genes: CACNB4 (calcium voltage-gated channel auxiliary subunit beta 4; minus strand), LOC129934925 (ATAC-STARR-seq lymphoblastoid silent region 12010; plus strand). Cytogenetic location: 2q23.3.
Variant type: single nucleotide variant.
Coding change: c.44C>G on transcript NM_000726.5 (MANE Select); coding-DNA position 44, C replaced by G.
Protein change: p.Pro15Arg; replaces proline 15 with arginine.
Molecular consequence: missense variant.
Genome position (GRCh38, 1-based): chr2:152,098,968, G>C on the plus strand (C>G on the coding strand, the complement: CACNB4 is on the minus strand). VCF-style: chr2-152098968-G-C. GRCh37 (hg19) VCF-style: chr2-152955482-G-C.
Other names: p.P15R:CCG>CGG; c.44C>G, p.Pro15Arg (NM_001145798.3); short protein forms P15R.
Identifiers: ClinVar variation 204939 (VCV000204939.67), dbSNP rs200662010, ClinGen allele CA313404.
Genomic context (GRCh38, chr2:152,098,968, plus strand): 5'-GGAAGAGGAGGAAGAGGAGAAGGGGGAGGAGGGGGCGGTACCTGCGAGGTGGGGGAGTGC[G>C]GCCCGTCCGCGGTCCCGTTCTTGGCGTAGGAGGAGGAGGACATCGTTCAGAGCCGCCGCA-3'
Protein context (NP_000717.2, residues 5-25): SYAKNGTADG[Pro15Arg]HSPTSQVARG